The following is an entry in ClinVar:

NM_001035.3(RYR2):c.10090A>G (p.Arg3364Gly)

Gene: RYR2 (ryanodine receptor 2; plus strand). Cytogenetic location: 1q43.
Variant type: single nucleotide variant.
Coding change: c.10090A>G on transcript NM_001035.3 (MANE Select); coding-DNA position 10090, A replaced by G.
Protein change: p.Arg3364Gly; replaces arginine 3364 with glycine.
Molecular consequence: missense variant.
Genome position (GRCh38, 1-based): chr1:237,709,046, A>G. VCF-style: chr1-237709046-A-G. GRCh37 (hg19) VCF-style: chr1-237872346-A-G.
Other names: short protein forms R3364G.
Identifiers: ClinVar variation 3716269 (VCV003716269.2).

ClinVar aggregate classification (germline): Uncertain significance (1 of 4 stars; one submission).

Conditions:
Catecholaminergic polymorphic ventricular tachycardia 1. Also called: VENTRICULAR TACHYCARDIA, STRESS-INDUCED POLYMORPHIC 1; VENTRICULAR TACHYCARDIA, CATECHOLAMINERGIC POLYMORPHIC, 1, WITH OR WITHOUT ATRIAL DYSFUNCTION AND/OR DILATED CARDIOMYOPATHY; RYR2-Related Catecholaminergic Polymorphic Ventricular Tachycardia. Identifiers: Orphanet 3286, MedGen C1631597, MONDO:0011484, OMIM 604772.

Submission:

Labcorp Genetics (formerly Invitae), Labcorp
Classification: Uncertain significance for Catecholaminergic polymorphic ventricular tachycardia 1. Last evaluated: 2024-12-24. Review status: criteria provided, single submitter. Criteria: Invitae Variant Classification Sherloc (09022015). Collection method: clinical testing. Allele origin: germline.
Comment: This sequence change replaces arginine, which is basic and polar, with glycine, which is neutral and non-polar, at codon 3364 of the RYR2 protein (p.Arg3364Gly). This variant is not present in population databases (gnomAD no frequency). This variant has not been reported in the literature in individuals affected with RYR2-related conditions. Invitae Evidence Modeling of protein sequence and biophysical properties (such as structural, functional, and spatial information, amino acid conservation, physicochemical variation, residue mobility, and thermodynamic stability) indicates that this missense variant is expected to disrupt RYR2 protein function with a positive predictive value of 95%. In summary, the available evidence is currently insufficient to determine the role of this variant in disease. Therefore, it has been classified as a Variant of Uncertain Significance.